The following is an entry in ClinVar:

ClinVar aggregate classification (germline): Likely pathogenic (1 of 4 stars; one submission).

Submission:

CeGaT Center for Human Genetics Tuebingen
Classification: Likely pathogenic. Last evaluated: 2023-01-01. Review status: criteria provided, single submitter. Criteria: CeGaT Center For Human Genetics Tuebingen Variant Classification Criteria Version 2. Collection method: clinical testing. Allele origin: germline. Affected: yes. Observed: 1 variant allele.
Comment: SCN1A: PM1, PM2, PM5, PP2, PP3, PS4:Supporting

NM_001165963.4(SCN1A):c.563A>G (p.Asp188Gly)

Gene: SCN1A (sodium voltage-gated channel alpha subunit 1; minus strand). Cytogenetic location: 2q24.3.
Variant type: single nucleotide variant.
Coding change: c.563A>G on transcript NM_001165963.4 (MANE Select); coding-DNA position 563, A replaced by G.
Protein change: p.Asp188Gly; replaces aspartic acid 188 with glycine.
Molecular consequence: missense variant. On other transcripts: 5 prime UTR variant (1), non-coding transcript variant (1).
Genome position (GRCh38, 1-based): chr2:166,054,677, T>C on the plus strand (A>G on the coding strand, the complement: SCN1A is on the minus strand). VCF-style: chr2-166054677-T-C. GRCh37 (hg19) VCF-style: chr2-166911187-T-C.
Other names: c.563A>G, p.Asp188Gly (NM_001165964.3, NM_001202435.3, NM_001353948.2 and 10 more transcripts); c.-1863A>G (NM_001353961.2); short protein forms D188G.
Identifiers: ClinVar variation 2498842 (VCV002498842.28), dbSNP rs121917953, ClinGen allele CA349075403.